The following is an entry in ClinVar:

NM_001035.3(RYR2):c.3163C>T (p.Arg1055Cys)

Gene: RYR2 (ryanodine receptor 2; plus strand). Cytogenetic location: 1q43.
Variant type: single nucleotide variant.
Coding change: c.3163C>T on transcript NM_001035.3 (MANE Select); coding-DNA position 3163, C replaced by T.
Protein change: p.Arg1055Cys; replaces arginine 1055 with cysteine.
Molecular consequence: missense variant.
Genome position (GRCh38, 1-based): chr1:237,550,640, C>T. VCF-style: chr1-237550640-C-T. GRCh37 (hg19) VCF-style: chr1-237713940-C-T.
Other names: c.3163C>T, p.Arg1055Cys (LRG_402t1); short protein forms R1055C.
Identifiers: ClinVar variation 449664 (VCV000449664.22), dbSNP rs754181384, ClinGen allele CA086317.

ClinVar aggregate classification (germline): Uncertain significance. Review status: criteria provided, multiple submitters, no conflicts (2 of 4 stars). 7 submissions from 7 submitters: Uncertain significance (7). Last evaluated 2026-01-03.

Conditions:
Catecholaminergic polymorphic ventricular tachycardia 1. Also called: VENTRICULAR TACHYCARDIA, CATECHOLAMINERGIC POLYMORPHIC, 1, WITH OR WITHOUT ATRIAL DYSFUNCTION AND/OR DILATED CARDIOMYOPATHY; VENTRICULAR TACHYCARDIA, STRESS-INDUCED POLYMORPHIC 1; RYR2-Related Catecholaminergic Polymorphic Ventricular Tachycardia. Identifiers: Orphanet 3286, MedGen C1631597, MONDO:0011484, OMIM 604772.
Arrhythmogenic right ventricular dysplasia 2. Identifiers: MedGen C1832931.
Ventricular arrhythmias due to cardiac ryanodine receptor calcium release deficiency syndrome. Also called: Autosomal dominant cardiac arrhythmia (Kuhn). Identifiers: MedGen C5542154, MONDO:0020745, OMIM 115000.
Catecholaminergic polymorphic ventricular tachycardia (CVPT). Also called: Catecholamine-induced polymorphic ventricular tachycardia. Identifiers: Orphanet 3286, MedGen C5574922, MONDO:0017990.
Cardiovascular phenotype. Identifiers: MedGen CN230736.
Cardiomyopathy (CMYO). Also called: Cardiomyopathies. Identifiers: Orphanet 167848, MedGen C0878544, MONDO:0004994, HP:0001638. Inheritance: Various modes of inheritance.

Allele frequency attached by ClinVar (database versions not stated): gnomAD 0.00001 and 0.00002; gnomAD exomes 0.00001; TOPMed 0.00001; ExAC 0.00002.
gnomAD v4.1: 20 of 1,580,458 alleles (0.0013%); highest among the groups gnomAD compares: Non-Finnish European, 0.0017%; no homozygotes.

Submissions (7):

Labcorp Genetics (formerly Invitae), Labcorp
Classification: Uncertain significance for Catecholaminergic polymorphic ventricular tachycardia 1. Last evaluated: 2026-01-03. Review status: criteria provided, single submitter. Criteria: Invitae Variant Classification Sherloc (09022015). Collection method: clinical testing. Allele origin: germline.
Comment: This sequence change replaces arginine, which is basic and polar, with cysteine, which is neutral and slightly polar, at codon 1055 of the RYR2 protein (p.Arg1055Cys). The frequency data for this variant in the population databases is considered unreliable, as metrics indicate poor data quality at this position in the gnomAD database. This variant has not been reported in the literature in individuals affected with RYR2-related conditions. ClinVar contains an entry for this variant (Variation ID: 449664). Invitae Evidence Modeling of protein sequence and biophysical properties (such as structural, functional, and spatial information, amino acid conservation, physicochemical variation, residue mobility, and thermodynamic stability) has been performed for this missense variant. However, the output from this modeling did not meet the statistical confidence thresholds required to predict the impact of this variant on RYR2 protein function. In summary, the available evidence is currently insufficient to determine the role of this variant in disease. Therefore, it has been classified as a Variant of Uncertain Significance.

Women's Health and Genetics/Laboratory Corporation of America, LabCorp
Classification: Uncertain significance. Last evaluated: 2025-06-26. Review status: criteria provided, single submitter. Criteria: LabCorp Variant Classification Summary - May 2015. Collection method: clinical testing. Allele origin: germline.

Color Diagnostics, LLC DBA Color Health
Classification: Uncertain significance for Cardiomyopathy. Last evaluated: 2025-06-12. Review status: criteria provided, single submitter. Criteria: ACMG Guidelines, 2015. Collection method: clinical testing. Allele origin: germline.
Comment: This missense variant replaces arginine with cysteine at codon 1055 of the RYR2 protein. Computational prediction suggests that this variant may have a deleterious impact on protein structure and function. To our knowledge, functional studies have not been reported for this variant. This variant has been reported in an individual affected with hypertrophic cardiomyopathy (PMID: 25351510). This variant has not been identified in the general population by the Genome Aggregation Database (gnomAD). The available evidence is insufficient to determine the role of this variant in disease conclusively. Therefore, this variant is classified as a Variant of Uncertain Significance.

All of Us Research Program, National Institutes of Health
Classification: Uncertain significance for Catecholaminergic polymorphic ventricular tachycardia. Last evaluated: 2024-03-05. Review status: criteria provided, single submitter. Criteria: ACMG Guidelines, 2015. Collection method: clinical testing. Allele origin: germline. Inheritance: Autosomal dominant inheritance. Observed: 8 variant alleles, 8 heterozygotes.
Comment: This missense variant replaces arginine with cysteine at codon 1055 of the RYR2 protein. Computational prediction suggests that this variant may have deleterious impact on protein structure and function (internally defined REVEL score threshold >= 0.7, PMID: 27666373). To our knowledge, functional studies have not been reported for this variant. This variant has not been reported in individuals affected with cardiovascular disorders in the literature. This variant has not been identified in the general population by the Genome Aggregation Database (gnomAD). The available evidence is insufficient to determine the role of this variant in disease conclusively. Therefore, this variant is classified as a Variant of Uncertain Significance.

This study involves interpretation of variants in research participants for the purpose of population health screening. Participant phenotype was not available at the time of variant classification. Additional details can be found in publication PMID: 35346344, PMCID: PMC8962531

Fulgent Genetics
Classification: Uncertain significance for Ventricular arrhythmias due to cardiac ryanodine receptor calcium release deficiency syndrome; Catecholaminergic polymorphic ventricular tachycardia 1. Last evaluated: 2021-12-03. Review status: criteria provided, single submitter. Criteria: ACMG Guidelines, 2015. Collection method: clinical testing. Allele origin: unknown.

GeneDx
Classification: Uncertain significance. Last evaluated: 2021-05-17. Review status: criteria provided, single submitter. Criteria: GeneDx Variant Classification Process June 2021. Collection method: clinical testing. Allele origin: germline. Affected: yes.
Comment: Reported in association with hypertrophic cardiomyopathy (HCM) (Lopes et al., 2015); however, no clinical or segregation information was provided; Not observed at a significant frequency in large population cohorts (Lek et al., 2016); In silico analysis supports that this missense variant has a deleterious effect on protein structure/function; Not located in one of the three hot-spot regions of the RYR2 gene, where the majority of pathogenic missense variants occur (Medeiros-Domingo et al., 2009); Reported in ClinVar as a variant of uncertain significance (ClinVar Variant ID# 449664; Landrum et al., 2016); This variant is associated with the following publications: (PMID: 25351510)

Ambry Genetics
Classification: Uncertain significance for Cardiovascular phenotype. Last evaluated: 2020-09-23. Review status: criteria provided, single submitter. Criteria: Ambry Variant Classification Scheme 2023. Collection method: clinical testing. Allele origin: germline.
Comment: The p.R1055C variant (also known as c.3163C>T), located in coding exon 27 of the RYR2 gene, results from a C to T substitution at nucleotide position 3163. The arginine at codon 1055 is replaced by cysteine, an amino acid with highly dissimilar properties. This alteration has been reported in a hypertrophic cardiomyopathy (HCM) cohort; however, clinical details were limited (Lopes LR et al. Heart, 2015 Feb;101:294-301). This amino acid position is highly conserved in available vertebrate species. In addition, this alteration is predicted to be deleterious by in silico analysis. Since supporting evidence is limited at this time, the clinical significance of this alteration remains unclear.

Literature cited by the submitters: PubMed 25351510 (cited by Color Diagnostics, LLC DBA Color Health and Ambry Genetics).